The following is an entry in ClinVar:

NM_025009.5(CEP135):c.1368T>G (p.Tyr456Ter)

Gene: CEP135 (centrosomal protein 135; plus strand). Cytogenetic location: 4q12.
Variant type: single nucleotide variant.
Coding change: c.1368T>G on transcript NM_025009.5 (MANE Select); coding-DNA position 1368, T replaced by G.
Protein change: p.Tyr456Ter; replaces tyrosine 456 with a stop codon.
Molecular consequence: nonsense.
Genome position (GRCh38, 1-based): chr4:55,974,864, T>G. VCF-style: chr4-55974864-T-G. GRCh37 (hg19) VCF-style: chr4-56841030-T-G.
Other names: short protein forms Y456*.
Identifiers: ClinVar variation 4734928 (VCV004734928.1).

ClinVar aggregate classification (germline): Pathogenic (1 of 4 stars; one submission).

Submission:

Labcorp Genetics (formerly Invitae), Labcorp
Classification: Pathogenic. Last evaluated: 2026-01-08. Review status: criteria provided, single submitter. Criteria: Invitae Variant Classification Sherloc (09022015). Collection method: clinical testing. Allele origin: germline.
Comment: This sequence change creates a premature translational stop signal (p.Tyr456*) in the CEP135 gene. It is expected to result in an absent or disrupted protein product. Loss-of-function variants in CEP135 are known to be pathogenic (PMID: 22521416, 26657937). This variant is not present in population databases (gnomAD no frequency). This variant has not been reported in the literature in individuals affected with CEP135-related conditions. For these reasons, this variant has been classified as Pathogenic.

Literature cited by the submitters: PubMed 22521416; PubMed 26657937.